The following is an entry in ClinVar:

NM_032608.7(MYO18B):c.7373del (p.Ala2458fs)

Gene: MYO18B (myosin XVIIIB; plus strand). Cytogenetic location: 22q12.1.
Variant type: Deletion.
Coding change: c.7373del on transcript NM_032608.7 (MANE Select); coding-DNA position 7373, one base deleted (C; older notation c.7373delC).
Protein change: p.Ala2458fs; shifts the reading frame from alanine 2458.
Molecular consequence: frameshift variant.
Genome position (GRCh38, 1-based): chr22:26,027,347, C deleted. VCF-style (leftmost placement, unchanged base first): chr22-26027346-GC-G. GRCh37 (hg19) VCF-style: chr22-26423312-GC-G.
Other names: c.7376del, p.Ala2459fs (NM_001318245.2); short protein forms A2458fs, A2459fs.
Identifiers: ClinVar variation 1334741 (VCV001334741.4), dbSNP rs2147024104, ClinGen allele CA2573054985.
Genomic context (GRCh38, chr22:26,027,346, plus strand): 5'-AAAGTGGACTTCGATGACTTCCTCCCAGCTATCCGGAAGCCCCAGACACCTACCTCCTTG[GC>G]TGGATCAGCCAAAGGTGGGCAAGACGGTTCACAGCGTTCAAGCATCCACTTTGAAACGGA-3'

ClinVar aggregate classification (germline): Likely pathogenic (1 of 4 stars; one submission).

Conditions:
Klippel-Feil anomaly-myopathy-facial dysmorphism syndrome. Also called: Klippel-feil syndrome 4, autosomal recessive, with nemaline myopathy and facial dysmorphism; Klippel-Feil syndrome 4, autosomal recessive, with myopathy and facial dysmorphism. Identifiers: Orphanet 447974, MedGen C4225285, MONDO:0014689, OMIM 616549.

Submission:

Greenwood Genetic Center Diagnostic Laboratories, Greenwood Genetic Center
Classification: Likely pathogenic for Klippel-Feil anomaly-myopathy-facial dysmorphism syndrome. Last evaluated: 2021-05-04. Review status: criteria provided, single submitter. Criteria: ACMG Guidelines, 2015. Collection method: clinical testing. Allele origin: germline. Affected: yes.
Comment: PVS1, PM2